The following is an entry in ClinVar:

ClinVar aggregate classification (germline): Uncertain significance. Review status: criteria provided, multiple submitters, no conflicts (2 of 4 stars). 3 submissions from 3 submitters: Uncertain significance (3). Last evaluated 2024-04-18.

Conditions:
Perlman syndrome (PRLMNS). Identifiers: Orphanet 2849, MedGen C0796113, MONDO:0009965, OMIM 267000.

Allele frequency attached by ClinVar (database versions not stated): gnomAD exomes below 0.00001.

Submissions (3):

Fulgent Genetics
Classification: Uncertain significance for Perlman syndrome. Last evaluated: 2024-04-18. Review status: criteria provided, single submitter. Criteria: ACMG Guidelines, 2015. Collection method: clinical testing. Allele origin: germline.

Labcorp Genetics (formerly Invitae), Labcorp
Classification: Uncertain significance for Perlman syndrome. Last evaluated: 2023-07-26. Review status: criteria provided, single submitter. Criteria: Invitae Variant Classification Sherloc (09022015). Collection method: clinical testing. Allele origin: germline.
Comment: In summary, the available evidence is currently insufficient to determine the role of this variant in disease. Therefore, it has been classified as a Variant of Uncertain Significance. Algorithms developed to predict the effect of missense changes on protein structure and function output the following: SIFT: "Not Available"; PolyPhen-2: "Benign"; Align-GVGD: "Not Available". The serine amino acid residue is found in multiple mammalian species, which suggests that this missense change does not adversely affect protein function. ClinVar contains an entry for this variant (Variation ID: 897406). This variant has not been reported in the literature in individuals affected with DIS3L2-related conditions. This variant is not present in population databases (gnomAD no frequency). This sequence change replaces glycine, which is neutral and non-polar, with serine, which is neutral and polar, at codon 205 of the DIS3L2 protein (p.Gly205Ser).

Illumina Laboratory Services, Illumina
Classification: Uncertain significance for Perlman syndrome. Last evaluated: 2017-04-27. Review status: criteria provided, single submitter. Criteria: ICSL Variant Classification Criteria 13 December 2019. Collection method: clinical testing. Allele origin: germline.

NM_152383.5(DIS3L2):c.613G>A (p.Gly205Ser)

Gene: DIS3L2 (DIS3 like 3'-5' exoribonuclease 2; plus strand). Cytogenetic location: 2q37.1.
Variant type: single nucleotide variant.
Coding change: c.613G>A on transcript NM_152383.5 (MANE Select); coding-DNA position 613, G replaced by A.
Protein change: p.Gly205Ser; replaces glycine 205 with serine.
Molecular consequence: missense variant. On other transcripts: non-coding transcript variant (2).
Genome position (GRCh38, 1-based): chr2:232,130,630, G>A. VCF-style: chr2-232130630-G-A. GRCh37 (hg19) VCF-style: chr2-232995340-G-A.
Other names: c.613G>A, p.Gly205Ser (NM_001257281.2, NM_001257282.2); short protein forms G205S.
Identifiers: ClinVar variation 897406 (VCV000897406.12), dbSNP rs1698187916, ClinGen allele CA351153104.